The following is an entry in ClinVar:

ClinVar aggregate classification (germline): Uncertain significance (1 of 4 stars; one submission).

Allele frequency attached by ClinVar (database versions not stated): ExAC 0.00001; gnomAD 0.00001; ESP Exome Variant Server 0.00008.
gnomAD v4.1: 15 of 1,606,842 alleles (0.00093%); highest among the groups gnomAD compares: African/African-American, 0.0013%; no homozygotes.

Submission:

Labcorp Genetics (formerly Invitae), Labcorp
Classification: Uncertain significance. Last evaluated: 2022-04-09. Review status: criteria provided, single submitter. Criteria: Invitae Variant Classification Sherloc (09022015). Collection method: clinical testing. Allele origin: germline.
Comment: This sequence change replaces glutamic acid, which is acidic and polar, with glutamine, which is neutral and polar, at codon 142 of the GPAA1 protein (p.Glu142Gln). This variant is present in population databases (rs372934708, gnomAD 0.0009%). This variant has not been reported in the literature in individuals affected with GPAA1-related conditions. Algorithms developed to predict the effect of missense changes on protein structure and function are either unavailable or do not agree on the potential impact of this missense change (SIFT: "Deleterious"; PolyPhen-2: "Probably Damaging"; Align-GVGD: "Class C0"). In summary, the available evidence is currently insufficient to determine the role of this variant in disease. Therefore, it has been classified as a Variant of Uncertain Significance.

NM_003801.4(GPAA1):c.424G>C (p.Glu142Gln)

Gene: GPAA1 (glycosylphosphatidylinositol anchor attachment 1; plus strand). Cytogenetic location: 8q24.3.
Variant type: single nucleotide variant.
Coding change: c.424G>C on transcript NM_003801.4 (MANE Select); coding-DNA position 424, G replaced by C.
Protein change: p.Glu142Gln; replaces glutamic acid 142 with glutamine.
Molecular consequence: missense variant.
Genome position (GRCh38, 1-based): chr8:144,083,771, G>C. VCF-style: chr8-144083771-G-C. GRCh37 (hg19) VCF-style: chr8-145138674-G-C.
Other names: short protein forms E142Q.
Identifiers: ClinVar variation 2054095 (VCV002054095.1), dbSNP rs372934708, ClinGen allele CA4932820.
Genomic context (GRCh38, chr8:144,083,771, plus strand): 5'-CAGATGGTGTCGGGCACCAACGTGTACGGCATCCTGCGGGCCCCGCGTGCTGCCAGCACC[G>C]AGTCGCTTGTGCTCACCGTGCCCTGTGGCTCTGACTCTACCAACAGCCAGGCTGTGGGGC-3'
Protein context (NP_003792.1, residues 132-152): ILRAPRAAST[Glu142Gln]SLVLTVPCGS